The following is an entry in ClinVar:

ClinVar aggregate classification (germline): Uncertain significance (1 of 4 stars; one submission).

Conditions:
Charcot-Marie-Tooth disease type 4. Also called: Charcot-Marie-Tooth, Type 4; Charcot-Marie-Tooth disease, type IV. Identifiers: Orphanet 64749, MedGen C4082197, MONDO:0018995.

gnomAD v4.1: 6 of 1,614,088 alleles (0.00037%); highest among the groups gnomAD compares: African/African-American, 0.0027%; no homozygotes.

Submission:

Labcorp Genetics (formerly Invitae), Labcorp
Classification: Uncertain significance for Charcot-Marie-Tooth disease type 4. Last evaluated: 2022-02-24. Review status: criteria provided, single submitter. Criteria: Invitae Variant Classification Sherloc (09022015). Collection method: clinical testing. Allele origin: germline.
Comment: This sequence change replaces threonine, which is neutral and polar, with alanine, which is neutral and non-polar, at codon 279 of the NDRG1 protein (p.Thr279Ala). This variant is not present in population databases (gnomAD no frequency). This variant has not been reported in the literature in individuals affected with NDRG1-related conditions. Algorithms developed to predict the effect of missense changes on protein structure and function are either unavailable or do not agree on the potential impact of this missense change (SIFT: "Tolerated"; PolyPhen-2: "Probably Damaging"; Align-GVGD: "Class C0"). In summary, the available evidence is currently insufficient to determine the role of this variant in disease. Therefore, it has been classified as a Variant of Uncertain Significance.

NM_006096.4(NDRG1):c.835A>G (p.Thr279Ala)

Gene: NDRG1 (N-myc downstream regulated 1; minus strand). Cytogenetic location: 8q24.22.
Variant type: single nucleotide variant.
Coding change: c.835A>G on transcript NM_006096.4 (MANE Select); coding-DNA position 835, A replaced by G.
Protein change: p.Thr279Ala; replaces threonine 279 with alanine.
Molecular consequence: missense variant.
Genome position (GRCh38, 1-based): chr8:133,246,636, T>C on the plus strand (A>G on the coding strand, the complement: NDRG1 is on the minus strand). VCF-style: chr8-133246636-T-C. GRCh37 (hg19) VCF-style: chr8-134258879-T-C.
Other names: c.835A>G, p.Thr279Ala (NM_001135242.2, NM_001374845.1, NM_001374846.1); c.637A>G, p.Thr213Ala (NM_001258432.2, NM_001374847.1); c.592A>G, p.Thr198Ala (NM_001258433.2); c.886A>G, p.Thr296Ala (NM_001374844.1); short protein forms T279A, T296A, T198A, T213A.
Identifiers: ClinVar variation 2154482 (VCV002154482.1), dbSNP rs764640904, ClinGen allele CA372254947.